The following is an entry in ClinVar:

NM_018389.5(SLC35C1):c.812C>T (p.Thr271Met)

Gene: SLC35C1 (solute carrier family 35 member C1; plus strand). Cytogenetic location: 11p11.2.
Variant type: single nucleotide variant.
Coding change: c.812C>T on transcript NM_018389.5 (MANE Select); coding-DNA position 812, C replaced by T.
Protein change: p.Thr271Met; replaces threonine 271 with methionine.
Molecular consequence: missense variant.
Genome position (GRCh38, 1-based): chr11:45,811,052, C>T. VCF-style: chr11-45811052-C-T. GRCh37 (hg19) VCF-style: chr11-45832603-C-T.
Other names: c.773C>T, p.Thr258Met (NM_001145265.2, NM_001145266.2); short protein forms T258M, T271M.
Identifiers: ClinVar variation 880343 (VCV000880343.12), dbSNP rs748793953, ClinGen allele CA5958338.

ClinVar aggregate classification (germline): Uncertain significance. Review status: criteria provided, multiple submitters, no conflicts (2 of 4 stars). 3 submissions from 3 submitters: Uncertain significance (3). Last evaluated 2022-08-23.

Conditions:
Inborn genetic diseases. Identifiers: MedGen C0950123, MeSH D030342.
Leukocyte adhesion deficiency type II. Also called: Congenital disorder of glycosylation type 2C; CDG 2C; Leukocyte adhesion deficiency type 2; Rambam Hasharon syndrome; CONGENITAL DISORDER OF GLYCOSYLATION, TYPE IIc; CDG IIc. Identifiers: Orphanet 2968, Orphanet 99843, MedGen C0398739, MONDO:0009953, OMIM 266265.

Allele frequency attached by ClinVar (database versions not stated): ExAC 0.00001; gnomAD exomes 0.00001.

Submissions (3):

Labcorp Genetics (formerly Invitae), Labcorp
Classification: Uncertain significance for Leukocyte adhesion deficiency type II. Last evaluated: 2022-08-23. Review status: criteria provided, single submitter. Criteria: Invitae Variant Classification Sherloc (09022015). Collection method: clinical testing. Allele origin: germline.
Comment: This variant is present in population databases (rs748793953, gnomAD 0.002%). This sequence change replaces threonine, which is neutral and polar, with methionine, which is neutral and non-polar, at codon 271 of the SLC35C1 protein (p.Thr271Met). This variant has not been reported in the literature in individuals affected with SLC35C1-related conditions. ClinVar contains an entry for this variant (Variation ID: 880343). Algorithms developed to predict the effect of missense changes on protein structure and function are either unavailable or do not agree on the potential impact of this missense change (SIFT: "Tolerated"; PolyPhen-2: "Possibly Damaging"; Align-GVGD: "Class C0"). In summary, the available evidence is currently insufficient to determine the role of this variant in disease. Therefore, it has been classified as a Variant of Uncertain Significance.

Ambry Genetics
Classification: Uncertain significance for Inborn genetic diseases. Last evaluated: 2021-10-29. Review status: criteria provided, single submitter. Criteria: Ambry Variant Classification Scheme 2023. Collection method: clinical testing. Allele origin: germline.

Illumina Laboratory Services, Illumina
Classification: Uncertain significance for Leukocyte adhesion deficiency type II. Last evaluated: 2018-01-15. Review status: criteria provided, single submitter. Criteria: ICSL Variant Classification Criteria 13 December 2019. Collection method: clinical testing. Allele origin: germline.